The following is an entry in ClinVar:

ClinVar aggregate classification (germline): Conflicting classifications of pathogenicity. Review status: criteria provided, conflicting classifications (1 of 4 stars). 3 submissions from 3 submitters: Likely pathogenic (2); Uncertain significance (1). Last evaluated 2025-09-04.

Conditions:
Autosomal recessive Alport syndrome (ATS2). Also called: Alport syndrome type 2; ALPORT SYNDROME 2, AUTOSOMAL RECESSIVE; COL4A3-Related Nephropathy; COL4A4 Alport Syndrome and Thin Basement Membrane Nephropathy. Identifiers: Orphanet 63, Orphanet 88919, MedGen C4746745, MONDO:0008762, OMIM 203780.
Hematuria, benign familial, 1 (BFH1). Also called: THIN MEMBRANE NEPHROPATHY. Identifiers: MedGen CN376803, MONDO:0007709, OMIM 141200.
Alport syndrome. Also called: Hemorrhagic familial nephritis; Hemorrhagic hereditary nephritis; Congenital hereditary hematuria. Identifiers: Orphanet 63, MedGen C1567741, MONDO:0018965.

Allele frequency attached by ClinVar (database versions not stated): gnomAD exomes below 0.00001.
gnomAD v4.1: 2 of 1,611,310 alleles (0.00012%); highest among the groups gnomAD compares: Non-Finnish European, 0.00017%; no homozygotes.

Submissions (3):

Natera, Inc.
Classification: Likely pathogenic for Alport syndrome. Last evaluated: 2025-09-04. Review status: criteria provided, single submitter. Criteria: Natera Variant Classification Schema (03/2026). Collection method: clinical testing. Allele origin: germline.
Comment: The c.737G>C variant in COL4A4 is a missense variant predicted to cause substitution of glycine to alanine at amino acid 246. This variant is rare in the general population with a frequency below the threshold expected for the associated phenotype(s). This variant is located in a functionally critical region of the protein. Computational prediction algorithms indicate this variant is likely to affect gene or protein function. Given the available evidence, this variant is classified as Likely Pathogenic.

Fulgent Genetics
Classification: Likely pathogenic for Hematuria, benign familial, 1; Autosomal recessive Alport syndrome. Last evaluated: 2024-01-22. Review status: criteria provided, single submitter. Criteria: ACMG Guidelines, 2015. Collection method: clinical testing. Allele origin: germline.

Labcorp Genetics (formerly Invitae), Labcorp
Classification: Uncertain significance. Last evaluated: 2021-03-18. Review status: criteria provided, single submitter. Criteria: Invitae Variant Classification Sherloc (09022015). Collection method: clinical testing. Allele origin: germline.
Comment: In summary, the available evidence is currently insufficient to determine the role of this variant in disease. Therefore, it has been classified as a Variant of Uncertain Significance. Algorithms developed to predict the effect of missense changes on protein structure and function are either unavailable or do not agree on the potential impact of this missense change (SIFT: "Deleterious"; PolyPhen-2: "Probably Damaging"; Align-GVGD: "Class C0"). This variant has not been reported in the literature in individuals with COL4A4-related conditions. This variant is not present in population databases (ExAC no frequency). This sequence change replaces glycine with alanine at codon 246 of the COL4A4 protein (p.Gly246Ala). The glycine residue is highly conserved and there is a small physicochemical difference between glycine and alanine.

NM_000092.5(COL4A4):c.737G>C (p.Gly246Ala)

Gene: COL4A4 (collagen type IV alpha 4 chain; minus strand). Cytogenetic location: 2q36.3.
Variant type: single nucleotide variant.
Coding change: c.737G>C on transcript NM_000092.5 (MANE Select); coding-DNA position 737, G replaced by C.
Protein change: p.Gly246Ala; replaces glycine 246 with alanine.
Molecular consequence: missense variant.
Genome position (GRCh38, 1-based): chr2:227,104,051, C>G on the plus strand (G>C on the coding strand, the complement: COL4A4 is on the minus strand). VCF-style: chr2-227104051-C-G. GRCh37 (hg19) VCF-style: chr2-227968767-C-G.
Other names: c.737G>C (NM_000092.4); short protein forms G246A.
Identifiers: ClinVar variation 1347339 (VCV001347339.10), dbSNP rs1559631986, ClinGen allele CA350858467.